The following is an entry in ClinVar:

ClinVar aggregate classification (germline): Uncertain significance. Review status: criteria provided, multiple submitters, no conflicts (2 of 4 stars). 5 submissions from 5 submitters: Uncertain significance (5). Last evaluated 2026-08-24.

Conditions:
PKHD1-related disorder. Also called: PKHD1-related condition.
Polycystic kidney disease 4 (PKD4). Also called: POLYCYSTIC KIDNEY DISEASE 4 WITH OR WITHOUT POLYCYSTIC LIVER DISEASE; Autosomal Recessive Polycystic Kidney Disease – PKHD1; POLYCYSTIC KIDNEY AND HEPATIC DISEASE 1; POLYCYSTIC KIDNEY DISEASE, INFANTILE, TYPE I; PKD3. Identifiers: MedGen C4540575, MONDO:0033004, OMIM 263200.
Autosomal recessive polycystic kidney disease (ARPKD). Also called: AR polycystic kidney disease. Identifiers: Orphanet 731, Orphanet 8378, MedGen C0085548, MeSH D017044, MONDO:0009889.

Allele frequency attached by ClinVar (database versions not stated): ExAC 0.00002; gnomAD 0.00003 and 0.00004; TOPMed 0.00008.
gnomAD v4.1: 12 of 1,609,564 alleles (0.00075%); highest among the groups gnomAD compares: African/African-American, 0.011%; no homozygotes.

Submissions (5):

PreventionGenetics, part of Exact Sciences
Classification: Uncertain significance for PKHD1-related condition. Last evaluated: 2026-08-24. Review status: criteria provided, single submitter. Criteria: ACMG Guidelines, 2015. Collection method: clinical testing. Allele origin: germline.
Comment: The PKHD1 c.1691G>A variant is predicted to result in the amino acid substitution p.Arg564Gln. To our knowledge, this variant has not been reported in the literature. This variant is reported in 0.0080% of alleles in individuals of African descent in gnomAD. At this time, the clinical significance of this variant is uncertain due to the absence of conclusive functional and genetic evidence.

Fulgent Genetics
Classification: Uncertain significance for Polycystic kidney disease 4. Last evaluated: 2024-01-24. Review status: criteria provided, single submitter. Criteria: ACMG Guidelines, 2015. Collection method: clinical testing. Allele origin: germline.

GeneDx
Classification: Uncertain significance. Last evaluated: 2024-01-24. Review status: criteria provided, single submitter. Criteria: GeneDx Variant Classification Process June 2021. Collection method: clinical testing. Allele origin: germline. Affected: yes.
Comment: Not observed at significant frequency in large population cohorts (gnomAD); In silico analysis supports that this missense variant does not alter protein structure/function; Has not been previously published as pathogenic or benign to our knowledge

Labcorp Genetics (formerly Invitae), Labcorp
Classification: Uncertain significance for Autosomal recessive polycystic kidney disease. Last evaluated: 2022-03-26. Review status: criteria provided, single submitter. Criteria: Invitae Variant Classification Sherloc (09022015). Collection method: clinical testing. Allele origin: germline.
Comment: This sequence change replaces arginine, which is basic and polar, with glutamine, which is neutral and polar, at codon 564 of the PKHD1 protein (p.Arg564Gln). This variant is present in population databases (rs757182803, gnomAD 0.008%). This variant has not been reported in the literature in individuals affected with PKHD1-related conditions. ClinVar contains an entry for this variant (Variation ID: 598497). Algorithms developed to predict the effect of missense changes on protein structure and function output the following: SIFT: "Tolerated"; PolyPhen-2: "Benign"; Align-GVGD: "Class C0". The glutamine amino acid residue is found in multiple mammalian species, which suggests that this missense change does not adversely affect protein function. In summary, the available evidence is currently insufficient to determine the role of this variant in disease. Therefore, it has been classified as a Variant of Uncertain Significance.

Eurofins Ntd Llc (ga)
Classification: Uncertain significance. Last evaluated: 2018-08-22. Review status: criteria provided, single submitter. Criteria: EGL ClinVar v180209 classification definitions. Collection method: clinical testing. Allele origin: germline. Observed: 1 variant allele, 1 heterozygote.

NM_138694.4(PKHD1):c.1691G>A (p.Arg564Gln)

Gene: PKHD1 (PKHD1 ciliary IPT domain containing fibrocystin/polyductin; minus strand). Cytogenetic location: 6p12.2.
Variant type: single nucleotide variant.
Coding change: c.1691G>A on transcript NM_138694.4 (MANE Select); coding-DNA position 1691, G replaced by A.
Protein change: p.Arg564Gln; replaces arginine 564 with glutamine.
Molecular consequence: missense variant.
Genome position (GRCh38, 1-based): chr6:52,056,700, C>T on the plus strand (G>A on the coding strand, the complement: PKHD1 is on the minus strand). VCF-style: chr6-52056700-C-T. GRCh37 (hg19) VCF-style: chr6-51921498-C-T.
Other names: c.1691G>A, p.Arg564Gln (NM_170724.3); c.1691G>A (NM_138694.3); short protein forms R564Q.
Identifiers: ClinVar variation 598497 (VCV000598497.11), dbSNP rs757182803, ClinGen allele CA3853484.
Genomic context (GRCh38, chr6:52,056,700, plus strand): 5'-ATAGAAAGAAAGAAGACCATGATGAAAAAGACAATCAGAATGAAGCCACGGACAGCACCT[C>T]GTTCAAATCCAAGCCGGAGAAGGATGTTAGACCAAAGGGGTTCCAGTTTGCATTTTACTG-3'
Protein context (NP_619639.3, residues 554-574): SNILLRLGFE[Arg564Gln]GPEVSNSDGD